The following is an entry in ClinVar:

NM_000246.4(CIITA):c.1652dup (p.Arg552fs)

Gene: CIITA (class II major histocompatibility complex transactivator; plus strand). Cytogenetic location: 16p13.13.
Variant type: Duplication.
Coding change: c.1652dup on transcript NM_000246.4 (MANE Select); coding-DNA position 1652, one base duplicated (G; older notation c.1652dupG).
Protein change: p.Arg552fs; shifts the reading frame from arginine 552.
Molecular consequence: frameshift variant. On other transcripts: intron variant (1).
Genome position (GRCh38, 1-based): chr16:10,907,144, G duplicated; the last of 4 consecutive G bases (chr16:10,907,141-10,907,144); duplicating any one gives the same sequence. VCF-style (leftmost placement, unchanged base first): chr16-10907140-C-CG. GRCh37 (hg19) VCF-style: chr16-11000997-C-CG.
Other names: c.1655dup, p.Arg553fs (NM_001286402.1, NM_001379332.1); c.1508dup, p.Arg504fs (NM_001379330.1); c.1505dup, p.Arg503fs (NM_001379331.1); c.1652dup, p.Arg552fs (NM_001379333.1); c.1583dup, p.Arg529fs (NM_001379334.1); c.860-1839dup (NM_001286403.2); short protein forms R503fs, R504fs, R529fs, R552fs, R553fs.
Identifiers: ClinVar variation 4817973 (VCV004817973.1).
Genomic context (GRCh38, chr16:10,907,140, plus strand): 5'-GCCGGCCTTTTCCAGAAGAAGCTGCTCCGAGGTTGCACCCTCCTCCTCACAGCCCGGCCC[C>CG]GGGGCCGCCTGGTCCAGAGCCTGAGCAAGGCCGACGCCCTATTTGAGCTGTCCGGCTTCT-3'

ClinVar aggregate classification (germline): Likely pathogenic (1 of 4 stars; one submission).

Conditions:
MHC class II deficiency. Also called: BLS, TYPE II; Bare lymphocyte syndrome 2. Identifiers: Orphanet 572, MedGen C5447452, MONDO:0008855.

Submission:

Natera, Inc.
Classification: Likely pathogenic for Bare lymphocyte syndrome type II. Last evaluated: 2025-07-06. Review status: criteria provided, single submitter. Criteria: Natera Variant Classification Schema (03/2026). Collection method: clinical testing. Allele origin: germline.
Comment: The c.1652dup variant in CIITA is a frameshift variant predicted to shift the reading frame beginning at codon 552 and leads to a stop codon 14 codons downstream. This variant is expected to result in nonsense mediated decay, truncation, or a dysfunctional protein product. This variant is rare in the general population with a frequency below the threshold expected for the associated phenotype(s). Given the available evidence, this variant is classified as Likely Pathogenic.